The following is an entry in ClinVar:

ClinVar aggregate classification (germline): Uncertain significance (1 of 4 stars; one submission).

Conditions:
Hereditary cancer-predisposing syndrome. Also called: Neoplastic Syndromes, Hereditary; Tumor predisposition; Hereditary Cancer Syndrome; Hereditary neoplastic syndrome. Identifiers: Orphanet 140162, MedGen C0027672, MeSH D009386, MONDO:0015356.

gnomAD v4.1: 1 of 1,613,374 alleles (0.000062%); highest among the groups gnomAD compares: Non-Finnish European, 0.000085%; no homozygotes.

Submission:

Ambry Genetics
Classification: Uncertain significance for Hereditary cancer-predisposing syndrome. Last evaluated: 2025-10-27. Review status: criteria provided, single submitter. Criteria: Ambry Variant Classification Scheme 2023. Collection method: clinical testing. Allele origin: germline.
Comment: The p.N180S variant (also known as c.539A>G), located in coding exon 5 of the MITF gene, results from an A to G substitution at nucleotide position 539. The asparagine at codon 180 is replaced by serine, an amino acid with highly similar properties. This amino acid position is conserved. In addition, this alteration is predicted to be tolerated by in silico analysis. Based on the available evidence, the clinical significance of this variant remains unclear.

NM_001354604.2(MITF):c.860A>G (p.Asn287Ser)

Gene: MITF (melanocyte inducing transcription factor; plus strand). Cytogenetic location: 3p13.
Variant type: single nucleotide variant.
Coding change: c.860A>G on transcript NM_001354604.2 (MANE Select); coding-DNA position 860, A replaced by G.
Protein change: p.Asn287Ser; replaces asparagine 287 with serine.
Molecular consequence: missense variant.
Genome position (GRCh38, 1-based): chr3:69,949,148, A>G. VCF-style: chr3-69949148-A-G. GRCh37 (hg19) VCF-style: chr3-69998299-A-G.
Other names: c.539A>G, p.Asn180Ser (NM_000248.4, NM_198158.3); c.704A>G, p.Asn235Ser (NM_001184967.2, NM_001354608.2); c.857A>G, p.Asn286Ser (NM_001354605.2, NM_001354606.2, NM_006722.3); c.809A>G, p.Asn270Ser (NM_001354607.2); c.860A>G, p.Asn287Ser (NM_198159.3); c.812A>G, p.Asn271Ser (NM_198177.3); c.371A>G, p.Asn124Ser (NM_198178.3); short protein forms N124S, N271S, N286S, N287S, N235S, N270S, N180S.
Identifiers: ClinVar variation 4648732 (VCV004648732.1).